The following is an entry in ClinVar:

ClinVar aggregate classification (germline): Uncertain significance (1 of 4 stars; one submission).

Submission:

GeneDx
Classification: Uncertain significance. Last evaluated: 2025-05-13. Review status: criteria provided, single submitter. Criteria: GeneDx Variant Classification Process June 2021. Collection method: clinical testing. Allele origin: germline. Affected: yes.
Comment: Not observed at significant frequency in large population cohorts (gnomAD); In silico analysis supports that this missense variant has a deleterious effect on protein structure/function; Has not been previously published as pathogenic or benign to our knowledge

NM_015267.4(CUX2):c.679A>C (p.Lys227Gln)

Gene: CUX2 (cut like homeobox 2; plus strand). Cytogenetic location: 12q24.11.
Variant type: single nucleotide variant.
Coding change: c.679A>C on transcript NM_015267.4 (MANE Select); coding-DNA position 679, A replaced by C.
Protein change: p.Lys227Gln; replaces lysine 227 with glutamine.
Molecular consequence: missense variant.
Genome position (GRCh38, 1-based): chr12:111,296,514, A>C. VCF-style: chr12-111296514-A-C. GRCh37 (hg19) VCF-style: chr12-111734318-A-C.
Other names: c.493A>C, p.Lys165Gln (NM_001370598.1); short protein forms K165Q, K227Q.
Identifiers: ClinVar variation 4529970 (VCV004529970.1).